The following is an entry in ClinVar:

NM_000329.3(RPE65):c.755T>C (p.Phe252Ser)

Gene: RPE65 (retinoid isomerohydrolase RPE65; minus strand). Cytogenetic location: 1p31.3.
Variant type: single nucleotide variant.
Coding change: c.755T>C on transcript NM_000329.3 (MANE Select); coding-DNA position 755, T replaced by C.
Protein change: p.Phe252Ser; replaces phenylalanine 252 with serine.
Molecular consequence: missense variant.
Genome position (GRCh38, 1-based): chr1:68,439,294, A>G on the plus strand (T>C on the coding strand, the complement: RPE65 is on the minus strand). VCF-style: chr1-68439294-A-G. GRCh37 (hg19) VCF-style: chr1-68904977-A-G.
Other names: NM_000329.3(RPE65):c.755T>C; p.Phe252Ser; short protein forms F252S.
Identifiers: ClinVar variation 556104 (VCV000556104.15), dbSNP rs1553153135, ClinGen allele CA340745829.
Genomic context (GRCh38, chr1:68,439,294, plus strand): 5'-CCCCAAAGACTCCATGAAGAAAGGAACTTGAACAGGTTAATTTTGACTGGTGTCTCCACA[A>G]AAACGATATAGTTGGGAGTCAGACCAAAACTGTTCAGAAACACAAATGGGCTTGTGAATG-3'
Protein context (NP_000320.1, residues 242-262): SFGLTPNYIV[Phe252Ser]VETPVKINLF

ClinVar aggregate classification (germline): Likely pathogenic. Review status: reviewed by expert panel (3 of 4 stars). 5 submissions from 5 submitters: Likely pathogenic (1). 4 of the submissions do not count toward it. Last evaluated 2026-08-20.

Conditions:
RPE65-related recessive retinopathy. Also called: Recessive RPE65 retinopathy. Identifiers: MedGen CN305526, MONDO:0100368.
Retinitis pigmentosa 20 (RP20). Identifiers: Orphanet 791, MedGen C3151086, MONDO:0013425, OMIM 613794.
Leber congenital amaurosis 2 (LCA2). Also called: AMAUROSIS CONGENITA OF LEBER II; Autosomal Recessive RPE65-Related Retinal Degeneration. Identifiers: Orphanet 65, MedGen C1859844, MONDO:0008765, OMIM 204100. Disease mechanism: loss of function.

Allele frequency attached by ClinVar (database versions not stated): gnomAD exomes below 0.00001.
gnomAD v4.1: 3 of 1,613,942 alleles (0.00019%); highest among the groups gnomAD compares: Non-Finnish European, 0.00025%; no homozygotes.

Submissions (5):

ClinGen Leber Congenital Amaurosis/early Onset Retinal Dystrophy Variant Curation Expert Panel, ClinGen
Classification: Likely pathogenic for RPE65-related recessive retinopathy. Last evaluated: 2026-08-20. Review status: reviewed by expert panel. Criteria: ClinGen LCAeoRD ACMG Specifications RPE65 V1.0.0. Collection method: curation. Allele origin: germline. Inheritance: Autosomal recessive inheritance.
Comment: NM_000329.3(RPE65):c.755T>C (p.Phe252Ser) is a missense variant in exon 8 of 14, changing the phenylalanine at position 252 to serine. This variant is present in gnomAD v.4.1.1 at a GrpMax allele frequency of 0.00000068, with 3 / 1179970 total alleles in the European Non-Finnish population, which is lower than the ClinGen LCA / eoRD VCEP PM2_Supporting threshold of <0.0002 (PM2_Supporting). The computational predictor REVEL gives a score of 0.986, which is above the ClinGen LCA/eoRD VCEP threshold of ≥0.774 and predicts a damaging effect on RPE65 function (PP3_Moderate). This variant has been reported in at least 1 proband with early-onset severe retinal dystrophy who is compound heterozygous with the NM_000329.3(RPE65):c.1360del (p.Thr454LeufsTer?) variant confirmed in trans (1 point, PMID:28130426), which was previously classified pathogenic by the ClinGen LCA/eoRD VCEP (1 total point, PM3). NM_000329.3(RPE65):c.755T>C (p.Phe252Ser) has been reported to segregate with childhood-onset severe retinal dystrophy through the proband plus 1 similarly affected relative, with the variant present in the compound heterozygous state (PP1; PMID: 28130426). At least one proband (RF.T.111, patient II-I) harboring this variant exhibits a phenotype including severely decreased ERG responses (0.5 pt), optic disc pallor (0.5pt), pigmentary retinopathy with attenuated vessels (0.5 pt), symptomatic onset between birth an age five years (1 pt), decreased peripheral vision (1 pt), abnormal color vision (1 pt), decreased central visual acuity (1 pt), and nystagmus (1 pt), which together are specific for RPE65-related recessive retinopathy (6.5 points, PMID: 28130426, PP4). In summary, this variant meets the criteria to be classified as likely pathogenic for RPE65-related recessive retinopathy based on the ACMG/AMP criteria applied, as specified by the ClinGen LCA / eoRD VCEP: PM2_Supporting, PM3, PP1, PP3_moderate, and PP4. (VCEP specifications version 1.0.0).

Women's Health and Genetics/Laboratory Corporation of America, LabCorp
Classification: Uncertain significance. Last evaluated: 2025-07-31. Review status: criteria provided, single submitter. Criteria: LabCorp Variant Classification Summary - May 2015. Collection method: clinical testing. Allele origin: germline. Not counted in ClinVar's aggregate classification.
Comment: Variant summary: RPE65 c.755T>C (p.Phe252Ser) results in a non-conservative amino acid change in the encoded protein sequence. Algorithms developed to predict the effect of missense changes on protein structure and function all suggest that this variant is likely to be disruptive. The variant was absent in 250684 control chromosomes. c.755T>C has been observed in 2 siblings who were affected with retinal degeneration and were compound heterozygous with a pathogenic variant (Biswas_2017). These data indicate that the variant may be associated with disease. To our knowledge, no experimental evidence demonstrating an impact on protein function has been reported. The following publication has been ascertained in the context of this evaluation (PMID: 28130426). ClinVar contains an entry for this variant (Variation ID: 556104). Based on the evidence outlined above, the variant was classified as VUS-possibly pathogenic.

Labcorp Genetics (formerly Invitae), Labcorp
Classification: Pathogenic for Leber congenital amaurosis 2; Retinitis pigmentosa 20. Last evaluated: 2023-01-20. Review status: criteria provided, single submitter. Criteria: Invitae Variant Classification Sherloc (09022015). Collection method: clinical testing. Allele origin: germline. Not counted in ClinVar's aggregate classification.
Comment: This sequence change replaces phenylalanine, which is neutral and non-polar, with serine, which is neutral and polar, at codon 252 of the RPE65 protein (p.Phe252Ser). This variant is not present in population databases (gnomAD no frequency). This missense change has been observed in individual(s) with rod-cone dystrophy (PMID: 28130426). In at least one individual the data is consistent with being in trans (on the opposite chromosome) from a pathogenic variant. It has also been observed to segregate with disease in related individuals. ClinVar contains an entry for this variant (Variation ID: 556104). Advanced modeling of protein sequence and biophysical properties (such as structural, functional, and spatial information, amino acid conservation, physicochemical variation, residue mobility, and thermodynamic stability) performed at Invitae indicates that this missense variant is expected to disrupt RPE65 protein function. For these reasons, this variant has been classified as Pathogenic.

GeneDx
Classification: Likely pathogenic. Last evaluated: 2021-11-01. Review status: criteria provided, single submitter. Criteria: GeneDx Variant Classification Process June 2021. Collection method: clinical testing. Allele origin: germline. Affected: yes. Not counted in ClinVar's aggregate classification.
Comment: Not observed in large population cohorts (Lek et al., 2016); In silico analysis supports that this missense variant has a deleterious effect on protein structure/function; This variant is associated with the following publications: (PMID: 28130426)

Counsyl
Classification: Uncertain significance for Leber congenital amaurosis 2; Retinitis pigmentosa 20. Last evaluated: 2018-01-12. Review status: no assertion criteria provided. Collection method: clinical testing. Allele origin: unknown. Not counted in ClinVar's aggregate classification.

Literature cited by the submitters: PubMed 28130426 (cited by 3 submitters).